The following continues an entry in ClinVar:

NM_007294.4(BRCA1):c.212G>A (p.Arg71Lys)

Gene: BRCA1. ClinVar aggregate classification (germline): Pathogenic. Pathogenic (8).

Submissions 8 to 11 of 11:

Juno Genomics, Hangzhou Juno Genomics, Inc
Classification: Pathogenic for Breast-ovarian cancer, familial, susceptibility to, 1; Pancreatic cancer, susceptibility to, 4; Fanconi anemia, complementation group S. Review status: criteria provided, single submitter. Criteria: ACMG Guidelines, 2015. Collection method: clinical testing. Allele origin: germline.
Comment: Absent from controls (or at extremely low frequency if recessive) in Genome Aggregation Database.;Well-established in vitro or in vivo functional studies supportive of a damaging effect on the gene or gene product.;The prevalence of the variant in affected individuals is significantly increased compared to the prevalence in controls.;Novel missense change at an amino acid residue where a different missense change determined to be pathogenic has been seen before.

Breast Cancer Information Core (BIC) (BRCA1)
Classification: Pathogenic for Breast-ovarian cancer, familial 1. Last evaluated: 2000-11-28. Review status: no assertion criteria provided. Collection method: clinical testing. Allele origin: germline. Affected: yes. Observed: 2 variant alleles. Not counted in ClinVar's aggregate classification.

Brotman Baty Institute, University of Washington
No classification provided (evidence only). Condition: Breast-ovarian cancer, familial 1. Review status: no classification provided. Collection method: in vitro. Allele origin: not applicable. Functional consequence: functionally_abnormal. Not counted in ClinVar's aggregate classification.
ClinVar note: "not provided" was previously submitted as the classification for the variant. However, the classification appeared to be based only on an observation of functional data so it was converted to no classification on 2025-07-30.

Department of Pathology and Laboratory Medicine, Sinai Health System
Classification: Pathogenic. Review status: no assertion criteria provided. Collection method: clinical testing. Allele origin: unknown. Affected: yes. Study: The Canadian Open Genetics Repository (COGR). Not counted in ClinVar's aggregate classification.
Comment: The BRCA1 p.Arg71Lys variant was identified in 3 of 1982 proband chromosomes (frequency: 0.002) from individuals or families with breast cancer, and was not identified in 406 control chromosomes from healthy individuals (Meindl 2002, Zhang 2011). The variant was also identified in dbSNP (ID:80356913) â€šÃ„ÃºWith untested alleleâ€šÃ„Ã¹, HGMD, UMD (1X as a causal variant), and the BIC database (2X with clinical importance). The p.Arg71 residue is conserved across mammals and lower organisms; however, computational analyses (SIFT, AlignGVGD, BLOSUM, MutationTaster) provide inconsistent predictions regarding the impact to the protein and this information is not very predictive of pathogenicity. The p.Arg71Lys variant occurs in the last base of the exon. This position has been shown to be part of the splicing consensus sequence and variants involving this position sometimes affect splicing. In addition, in silico or computational prediction software programs (SpliceSiteFinder, MaxEntScan, NNSPLICE, GeneSplicer, HumanSpliceFinder) predict a greater than 10% difference in splicing in all 5 programs. In addition, three studies demonstrated an increase in the levels of a BRCA1 mRNA isoform that had an out-of-frame deletion of the last 22 base pairs from exon 5, indicating that the variant causes aberrant splicing of the mRNA transcript (Caleca 2014, Colombo 2013, Zhang 2011). Furthermore, analysis of a tumour specimen with the variant indicated loss of heterozygosity (Zhang 2011). In summary, based on the above information, this variant meets our laboratoryâ€šÃ„Ã´s criteria to be classified as pathogenic.

Literature cited by the submitters: PubMed 11802209 (cited by 5 submitters); PubMed 25480878 (cited by Labcorp Genetics (formerly Invitae), Labcorp and Color Diagnostics, LLC DBA Color Health); PubMed 28724667 (cited by Labcorp Genetics (formerly Invitae), Labcorp and Color Diagnostics, LLC DBA Color Health); PubMed 29435039 (cited by 3 submitters); PubMed 29752822 (cited by Labcorp Genetics (formerly Invitae), Labcorp and Color Diagnostics, LLC DBA Color Health); PubMed 17576681 (cited by Labcorp Genetics (formerly Invitae), Labcorp); PubMed 9536098 (cited by Labcorp Genetics (formerly Invitae), Labcorp); PubMed 21863257 (cited by 5 submitters); PubMed 22505045 (cited by 5 submitters); PubMed 23451180 (cited by 4 submitters); PubMed 24516540 (cited by Ambry Genetics and Quest Diagnostics Nichols Institute San Juan Capistrano); PubMed 30078507 (cited by 3 submitters); PubMed 30209399 (cited by 3 submitters); PubMed 25823446 (cited by Color Diagnostics, LLC DBA Color Health and Quest Diagnostics Nichols Institute San Juan Capistrano); PubMed 26577449 (cited by Color Diagnostics, LLC DBA Color Health and Women's Health and Genetics/Laboratory Corporation of America, LabCorp); PubMed 35449021 (cited by Color Diagnostics, LLC DBA Color Health); PubMed 35659930 (cited by Color Diagnostics, LLC DBA Color Health); PubMed 31825140 (cited by Quest Diagnostics Nichols Institute San Juan Capistrano).